The following is an entry in ClinVar:

NM_006734.4(HIVEP2):c.1610C>T (p.Ser537Phe)

Gene: HIVEP2 (HIVEP zinc finger 2; minus strand). Cytogenetic location: 6q24.2.
Variant type: single nucleotide variant.
Coding change: c.1610C>T on transcript NM_006734.4 (MANE Select); coding-DNA position 1610, C replaced by T.
Protein change: p.Ser537Phe; replaces serine 537 with phenylalanine.
Molecular consequence: missense variant.
Genome position (GRCh38, 1-based): chr6:142,773,129, G>A on the plus strand (C>T on the coding strand, the complement: HIVEP2 is on the minus strand). VCF-style: chr6-142773129-G-A. GRCh37 (hg19) VCF-style: chr6-143094266-G-A.
Other names: short protein forms S537F.
Identifiers: ClinVar variation 2664227 (VCV002664227.1), dbSNP rs1248488995, ClinGen allele CA365912991.
Genomic context (GRCh38, chr6:142,773,129, plus strand): 5'-GGAATAGTTAGATTAGTTGCTGAAGAAGTTGGCACTGAGTTGCTTCTAATAAGGGGTGAA[G>A]AGTCTACAGGAGCTTCTAAGAGAACCGGGTTGCTGCCTTGGAAGTTTGCTGGATAAAGTT-3'
Protein context (NP_006725.3, residues 527-547): NPVLLEAPVD[Ser537Phe]SPLIRSNSVP

ClinVar aggregate classification (germline): Uncertain significance (1 of 4 stars; one submission).

Conditions:
Cortical dysplasia, complex, with other brain malformations 13. Also called: Intellectual disability, autosomal dominant 13. Identifiers: MedGen C3281202, MONDO:0013805, OMIM 614563.

Allele frequency attached by ClinVar (database versions not stated): gnomAD exomes below 0.00001; gnomAD 0.00001; TOPMed 0.00001.
gnomAD v4.1: 2 of 1,614,106 alleles (0.00012%); highest among the groups gnomAD compares: Non-Finnish European, 0.00017%; no homozygotes.

Submission:

Neuberg Centre For Genomic Medicine, NCGM
Classification: Uncertain significance for Cortical dysplasia, complex, with other brain malformations 13. Review status: criteria provided, single submitter. Criteria: ACMG Guidelines, 2015. Collection method: clinical testing. Allele origin: germline. Inheritance: Autosomal recessive inheritance. Affected: yes.
Comment: The missense c.1610C>T(p.Ser537Phe) variant in HIVEP2 gene has not been reported previously as a pathogenic variant nor as a benign variant, to our knowledge. The p.Ser537Phe variant is novel (not in any individuals) in gnomAD Exomes and 1000 Genomes database. This variant has not been reported to the ClinVar database. The amino acid change p.Ser537Phe in HIVEP2 is predicted as conserved by GERP++ and PhyloP across 100 vertebrates. The amino acid Ser at position 537 is changed to a Phe changing protein sequence and it might alter its composition and physico-chemical properties. For these reasons, this variant has been classified as Variant of Uncertain Significance.